The following is an entry in ClinVar:

NM_000053.4(ATP7B):c.4021G>A (p.Gly1341Ser)

Gene: ATP7B (ATPase copper transporting beta; minus strand). Cytogenetic location: 13q14.3.
Variant type: single nucleotide variant.
Coding change: c.4021G>A on transcript NM_000053.4 (MANE Select); coding-DNA position 4021, G replaced by A.
Protein change: p.Gly1341Ser; replaces glycine 1341 with serine.
Molecular consequence: missense variant.
Genome position (GRCh38, 1-based): chr13:51,937,276, C>T on the plus strand (G>A on the coding strand, the complement: ATP7B is on the minus strand). VCF-style: chr13-51937276-C-T. GRCh37 (hg19) VCF-style: chr13-52511412-C-T.
Other names: c.3400G>A, p.Gly1134Ser (NM_001005918.3); c.3688G>A, p.Gly1230Ser (NM_001243182.2); c.3787G>A, p.Gly1263Ser (NM_001330578.2); c.3769G>A, p.Gly1257Ser (NM_001330579.2); short protein forms G1341S, G1134S, G1230S, G1257S, G1263S.
Identifiers: ClinVar variation 157955 (VCV000157955.13), dbSNP rs587783317, ClinGen allele CA271177.

ClinVar aggregate classification (germline): Pathogenic/Likely pathogenic. Review status: criteria provided, multiple submitters, no conflicts (2 of 4 stars). 6 submissions from 6 submitters: Pathogenic (2); Likely pathogenic (4). Last evaluated 2025-09-10.

Conditions:
Wilson disease (WND). Also called: Wilson's disease. Identifiers: Orphanet 905, MedGen C0019202, MONDO:0010200, OMIM 277900. Disease mechanism: loss of function.

Allele frequency attached by ClinVar (database versions not stated): gnomAD below 0.00001 and 0.00001; gnomAD exomes below 0.00001; ExAC 0.00001.
gnomAD v4.1: 1 of 1,613,640 alleles (0.000062%); highest among the groups gnomAD compares: South Asian, 0.0011%; no homozygotes.

Submissions (6):

Genomic Medicine Center of Excellence, King Faisal Specialist Hospital and Research Centre
Classification: Likely pathogenic for Wilson disease. Last evaluated: 2025-09-10. Review status: criteria provided, single submitter. Criteria: ACMG Guidelines, 2015. Collection method: clinical testing. Allele origin: germline.

Natera, Inc.
Classification: Likely pathogenic for Wilson disease. Last evaluated: 2025-07-07. Review status: criteria provided, single submitter. Criteria: Natera Variant Classification Schema (03/2026). Collection method: clinical testing. Allele origin: germline.
Comment: The c.4021G>A variant in ATP7B is a missense variant predicted to cause substitution of glycine to serine at amino acid 1341. This variant is rare in the general population with a frequency below the threshold expected for the associated phenotype(s). This variant has been observed in one or more individuals affected with the associated recessive disease, as either homozygous or compound heterozygous with a second variant (PMID: 31059521, 17264425, 14639035, 23551039, 39535360). A different variant at the same position has been determined to be Pathogenic or Likely Pathogenic. Computational prediction algorithms indicate this variant is likely to affect gene or protein function. Given the available evidence, this variant is classified as Likely Pathogenic.

Fulgent Genetics
Classification: Likely pathogenic for Wilson disease. Last evaluated: 2024-02-03. Review status: criteria provided, single submitter. Criteria: ACMG Guidelines, 2015. Collection method: clinical testing. Allele origin: germline.

Baylor Genetics
Classification: Pathogenic for Wilson disease. Last evaluated: 2024-01-09. Review status: criteria provided, single submitter. Criteria: ACMG Guidelines, 2015. Collection method: clinical testing. Allele origin: unknown.

Genome-Nilou Lab
Classification: Likely pathogenic for Wilson disease. Last evaluated: 2021-08-10. Review status: criteria provided, single submitter. Criteria: ACMG Guidelines, 2015. Collection method: clinical testing. Allele origin: germline. Affected: no.

Genetic Services Laboratory, University of Chicago
Classification: Pathogenic for Wilson disease. Last evaluated: 2013-07-29. Review status: criteria provided, single submitter. Criteria: ACMG Guidelines, 2007. Collection method: clinical testing. Allele origin: germline. Inheritance: Autosomal recessive inheritance. Affected: yes.

Literature cited by the submitters: PubMed 31059521 (cited by Natera, Inc.); PubMed 17264425 (cited by Natera, Inc.); PubMed 14639035 (cited by Natera, Inc.); PubMed 23551039 (cited by Natera, Inc.); PubMed 39535360 (cited by Natera, Inc.).